The following is an entry in ClinVar:

NM_017819.4(TRMT10C):c.856A>G (p.Ser286Gly)

Gene: TRMT10C (tRNA methyltransferase 10C, mitochondrial RNase P subunit; plus strand). Cytogenetic location: 3q12.3.
Variant type: single nucleotide variant.
Coding change: c.856A>G on transcript NM_017819.4 (MANE Select); coding-DNA position 856, A replaced by G.
Protein change: p.Ser286Gly; replaces serine 286 with glycine.
Molecular consequence: missense variant.
Genome position (GRCh38, 1-based): chr3:101,565,637, A>G. VCF-style: chr3-101565637-A-G. GRCh37 (hg19) VCF-style: chr3-101284481-A-G.
Other names: short protein forms S286G.
Identifiers: ClinVar variation 3614191 (VCV003614191.2).
Genomic context (GRCh38, chr3:101,565,637, plus strand): 5'-TGGGACAAATTGCTTTTAACATCAACAGAAAAGTCTCATGTAGATTTATTTCCAAAGGAC[A>G]GTATTATCTATTTAACTGCAGATTCTCCCAATGTTATGACTACTTTCAGGCATGACAAAG-3'
Protein context (NP_060289.2, residues 276-296): KSHVDLFPKD[Ser286Gly]IIYLTADSPN

ClinVar aggregate classification (germline): Uncertain significance (1 of 4 stars; one submission).

gnomAD v4.1: 2 of 1,614,100 alleles (0.00012%); highest among the groups gnomAD compares: Admixed American, 0.0033%; no homozygotes.

Submission:

Labcorp Genetics (formerly Invitae), Labcorp
Classification: Uncertain significance. Last evaluated: 2024-06-13. Review status: criteria provided, single submitter. Criteria: Invitae Variant Classification Sherloc (09022015). Collection method: clinical testing. Allele origin: germline.
Comment: This sequence change replaces serine, which is neutral and polar, with glycine, which is neutral and non-polar, at codon 286 of the TRMT10C protein (p.Ser286Gly). This variant is not present in population databases (gnomAD no frequency). This variant has not been reported in the literature in individuals affected with TRMT10C-related conditions. Advanced modeling of protein sequence and biophysical properties (such as structural, functional, and spatial information, amino acid conservation, physicochemical variation, residue mobility, and thermodynamic stability) performed at Invitae indicates that this missense variant is not expected to disrupt TRMT10C protein function with a negative predictive value of 80%. In summary, the available evidence is currently insufficient to determine the role of this variant in disease. Therefore, it has been classified as a Variant of Uncertain Significance.